The following is an entry in ClinVar:

ClinVar aggregate classification (germline): Uncertain significance. Review status: criteria provided, multiple submitters, no conflicts (2 of 4 stars). 2 submissions from 2 submitters: Uncertain significance (2). Last evaluated 2025-10-23.

Conditions:
Inborn genetic diseases. Identifiers: MedGen C0950123, MeSH D030342.

Allele frequency attached by ClinVar (database versions not stated): ExAC 0.00001; gnomAD 0.00001; gnomAD exomes 0.00001.
gnomAD v4.1: 4 of 1,614,094 alleles (0.00025%); highest among the groups gnomAD compares: East Asian, 0.0089%; no homozygotes.

Submissions (2):

Labcorp Genetics (formerly Invitae), Labcorp
Classification: Uncertain significance. Last evaluated: 2025-10-23. Review status: criteria provided, single submitter. Criteria: Invitae Variant Classification Sherloc (09022015). Collection method: clinical testing. Allele origin: germline.
Comment: This sequence change replaces glutamic acid, which is acidic and polar, with valine, which is neutral and non-polar, at codon 552 of the MBD4 protein (p.Glu552Val). This variant is present in population databases (rs779654395, gnomAD 0.02%). This variant has not been reported in the literature in individuals affected with MBD4-related conditions. ClinVar contains an entry for this variant (Variation ID: 2782900). An algorithm developed to predict the effect of missense changes on protein structure and function (PolyPhen-2) suggests that this variant is likely to be disruptive. In summary, the available evidence is currently insufficient to determine the role of this variant in disease. Therefore, it has been classified as a Variant of Uncertain Significance.

Ambry Genetics
Classification: Uncertain significance for Inborn genetic diseases. Last evaluated: 2024-12-21. Review status: criteria provided, single submitter. Criteria: Ambry Variant Classification Scheme 2023. Collection method: clinical testing. Allele origin: germline.
Comment: The p.E546V variant (also known as c.1637A>T), located in coding exon 7 of the MBD4 gene, results from an A to T substitution at nucleotide position 1637. The glutamic acid at codon 546 is replaced by valine, an amino acid with dissimilar properties. This amino acid position is conserved. In addition, this alteration is predicted to be deleterious by in silico analysis. Based on the available evidence, the clinical significance of this variant remains unclear.

NM_001276270.2(MBD4):c.1637A>T (p.Glu546Val)

Gene: MBD4 (methyl-CpG binding domain 4, DNA glycosylase; minus strand). Cytogenetic location: 3q21.3.
Variant type: single nucleotide variant.
Coding change: c.1637A>T on transcript NM_001276270.2 (MANE Select); coding-DNA position 1637, A replaced by T.
Protein change: p.Glu546Val; replaces glutamic acid 546 with valine.
Molecular consequence: missense variant. On other transcripts: intron variant (1).
Genome position (GRCh38, 1-based): chr3:129,432,513, T>A on the plus strand (A>T on the coding strand, the complement: MBD4 is on the minus strand). VCF-style: chr3-129432513-T-A. GRCh37 (hg19) VCF-style: chr3-129151356-T-A.
Other names: c.1655A>T, p.Glu552Val (NM_001276271.2, NM_003925.3); c.701A>T, p.Glu234Val (NM_001276273.2); c.1612+43A>T (NM_001276272.2); short protein forms E234V, E546V, E552V.
Identifiers: ClinVar variation 2782900 (VCV002782900.4), dbSNP rs779654395, ClinGen allele CA2605240.
Genomic context (GRCh38, chr3:129,432,513, plus strand): 5'-TTTGCCTCAGAGACCAAATGTGCTGAATTATGGATGGGAGTGAGCCTCACCTGCTTCCAC[T>A]CATTGACACAAAAAATTCGGTAAGAGTCGTTGCCATATTTACCAATCCCATGAAGCTCAA-3'
Protein context (NP_001263199.1, residues 536-556): NDSYRIFCVN[Glu546Val]WKQVHPEDHK